The following is an entry in ClinVar:

NM_004655.4(AXIN2):c.1309A>G (p.Thr437Ala)

Gene: AXIN2 (axin 2; minus strand). Cytogenetic location: 17q24.1.
Variant type: single nucleotide variant.
Coding change: c.1309A>G on transcript NM_004655.4 (MANE Select); coding-DNA position 1309, A replaced by G.
Protein change: p.Thr437Ala; replaces threonine 437 with alanine.
Molecular consequence: missense variant.
Genome position (GRCh38, 1-based): chr17:65,537,727, T>C on the plus strand (A>G on the coding strand, the complement: AXIN2 is on the minus strand). VCF-style: chr17-65537727-T-C. GRCh37 (hg19) VCF-style: chr17-63533845-T-C.
Other names: c.1309A>G, p.Thr437Ala (NM_001363813.1); short protein forms T437A.
Identifiers: ClinVar variation 961148 (VCV000961148.9), dbSNP rs1445382048, ClinGen allele CA400677763.

ClinVar aggregate classification (germline): Uncertain significance (1 of 4 stars; one submission).

Conditions:
Oligodontia-cancer predisposition syndrome. Also called: TOOTH AGENESIS-COLORECTAL CANCER SYNDROME. Identifiers: Orphanet 300576, MedGen C1837750, MONDO:0012075, OMIM 608615. Disease mechanism: loss of function.

gnomAD v4.1: 1 of 1,562,922 alleles (0.000064%); no homozygotes.

Submission:

Labcorp Genetics (formerly Invitae), Labcorp
Classification: Uncertain significance for Oligodontia-cancer predisposition syndrome. Last evaluated: 2023-04-28. Review status: criteria provided, single submitter. Criteria: Invitae Variant Classification Sherloc (09022015). Collection method: clinical testing. Allele origin: germline.
Comment: This variant has not been reported in the literature in individuals affected with AXIN2-related conditions. ClinVar contains an entry for this variant (Variation ID: 961148). Advanced modeling of protein sequence and biophysical properties (such as structural, functional, and spatial information, amino acid conservation, physicochemical variation, residue mobility, and thermodynamic stability) performed at Invitae indicates that this missense variant is not expected to disrupt AXIN2 protein function. This variant is not present in population databases (gnomAD no frequency). This sequence change replaces threonine, which is neutral and polar, with alanine, which is neutral and non-polar, at codon 437 of the AXIN2 protein (p.Thr437Ala). In summary, the available evidence is currently insufficient to determine the role of this variant in disease. Therefore, it has been classified as a Variant of Uncertain Significance.